The following is an entry in ClinVar:

NM_004629.2(FANCG):c.620del (p.Leu207fs)

Gene: FANCG (FA complementation group G; minus strand). Cytogenetic location: 9p13.3.
Variant type: Deletion.
Coding change: c.620del on transcript NM_004629.2 (MANE Select); coding-DNA position 620, one base deleted (T; older notation c.620delT).
Protein change: p.Leu207fs; shifts the reading frame from leucine 207.
Molecular consequence: frameshift variant.
Genome position (GRCh38, 1-based): chr9:35,077,290, A deleted on the plus strand (T on the coding strand, the reverse complement: FANCG is on the minus strand). VCF-style (leftmost placement, unchanged base first): chr9-35077289-GA-G. GRCh37 (hg19) VCF-style: chr9-35077286-GA-G.
Other names: c.620delT (NM_004629.1); short protein forms L207fs.
Identifiers: ClinVar variation 929685 (VCV000929685.35), dbSNP rs753727461, ClinGen allele CA5039998.

ClinVar aggregate classification (germline): Pathogenic. Review status: criteria provided, multiple submitters, no conflicts (2 of 4 stars). 6 submissions from 6 submitters: Pathogenic (5). 1 of the submissions does not count toward it. Last evaluated 2025-10-30.

Conditions:
Fanconi anemia (FA). Also called: Fanconi's anemia. Identifiers: Orphanet 84, MedGen C0015625, MeSH D005199, MONDO:0019391.
Fanconi anemia complementation group G. Also called: FANCG-Related Fanconi Anemia; Fanconi anemia group G. Identifiers: Orphanet 84, MedGen C3469527, MONDO:0013565, OMIM 614082.

Allele frequency attached by ClinVar (database versions not stated): gnomAD exomes below 0.00001 and 0.00002; ExAC 0.00001; gnomAD 0.00001; TOPMed 0.00002; ESP Exome Variant Server 0.00008.

Submissions (6):

Natera, Inc.
Classification: Pathogenic for Fanconi anemia group G. Last evaluated: 2025-10-30. Review status: criteria provided, single submitter. Criteria: Natera Variant Classification Schema (03/2026). Collection method: clinical testing. Allele origin: germline.
Comment: The c.620delT variant in FANCG is a frameshift variant predicted to shift the reading frame beginning at codon 207 and leads to a stop codon 2 codons downstream. This variant is expected to result in nonsense mediated decay, truncation, or a dysfunctional protein product. This variant is rare in the general population with a frequency below the threshold expected for the associated phenotype(s). This variant has been observed in one or more individuals affected with the associated recessive disease, as either homozygous or compound heterozygous with a second variant (PMID: 17924555). Given the available evidence, this variant is classified as Pathogenic.

Baylor Genetics
Classification: Pathogenic for Fanconi anemia complementation group G. Last evaluated: 2024-01-12. Review status: criteria provided, single submitter. Criteria: ACMG Guidelines, 2015. Collection method: clinical testing. Allele origin: unknown.

CeGaT Center for Human Genetics Tuebingen
Classification: Pathogenic. Last evaluated: 2024-01-01. Review status: criteria provided, single submitter. Criteria: CeGaT Center For Human Genetics Tuebingen Variant Classification Criteria Version 2. Collection method: clinical testing. Allele origin: germline. Affected: yes. Observed: 1 variant allele.
Comment: FANCG: PVS1, PM2, PM3

Labcorp Genetics (formerly Invitae), Labcorp
Classification: Pathogenic for Fanconi anemia. Last evaluated: 2023-09-23. Review status: criteria provided, single submitter. Criteria: Invitae Variant Classification Sherloc (09022015). Collection method: clinical testing. Allele origin: germline.
Comment: For these reasons, this variant has been classified as Pathogenic. ClinVar contains an entry for this variant (Variation ID: 929685). This premature translational stop signal has been observed in individual(s) with Fanconi anemia (PMID: 17924555). This variant is present in population databases (rs753727461, gnomAD 0.0009%). This sequence change creates a premature translational stop signal (p.Leu207Profs*2) in the FANCG gene. It is expected to result in an absent or disrupted protein product. Loss-of-function variants in FANCG are known to be pathogenic (PMID: 12552564).

Fulgent Genetics
Classification: Pathogenic for Fanconi anemia complementation group G. Last evaluated: 2022-03-16. Review status: criteria provided, single submitter. Criteria: ACMG Guidelines, 2015. Collection method: clinical testing. Allele origin: unknown.

Leiden Open Variation Database
Classification: Pathogenic for Fanconi anemia complementation group G. Last evaluated: 2020-02-28. Review status: no assertion criteria provided. Collection method: curation. Allele origin: germline. Affected: yes. Not counted in ClinVar's aggregate classification.
Comment: Curator: Arleen D. Auerbach. Submitter to LOVD: Arleen D. Auerbach.

Literature cited by the submitters: PubMed 17924555 (cited by 3 submitters); PubMed 12552564 (cited by Labcorp Genetics (formerly Invitae), Labcorp).